The following is an entry in ClinVar:

ClinVar aggregate classification (germline): Uncertain significance. Review status: criteria provided, multiple submitters, no conflicts (2 of 4 stars). 2 submissions from 2 submitters: Uncertain significance (2). Last evaluated 2025-12-02.

gnomAD v4.1: 2 of 1,614,016 alleles (0.00012%); highest among the groups gnomAD compares: Admixed American, 0.0033%; no homozygotes.

Submissions (2):

Ambry Genetics
Classification: Uncertain significance. Last evaluated: 2025-12-02. Review status: criteria provided, single submitter. Criteria: Ambry Variant Classification Scheme 2023. Collection method: clinical testing. Allele origin: germline.

Labcorp Genetics (formerly Invitae), Labcorp
Classification: Uncertain significance. Last evaluated: 2024-04-17. Review status: criteria provided, single submitter. Criteria: Invitae Variant Classification Sherloc (09022015). Collection method: clinical testing. Allele origin: germline.
Comment: This sequence change replaces proline, which is neutral and non-polar, with threonine, which is neutral and polar, at codon 4567 of the HMCN1 protein (p.Pro4567Thr). This variant is present in population databases (no rsID available, gnomAD 0.003%). This variant has not been reported in the literature in individuals affected with HMCN1-related conditions. An algorithm developed to predict the effect of missense changes on protein structure and function (PolyPhen-2) suggests that this variant is likely to be disruptive. In summary, the available evidence is currently insufficient to determine the role of this variant in disease. Therefore, it has been classified as a Variant of Uncertain Significance.

NM_031935.3(HMCN1):c.13699C>A (p.Pro4567Thr)

Gene: HMCN1 (hemicentin 1; plus strand). Cytogenetic location: 1q31.1.
Variant type: single nucleotide variant.
Coding change: c.13699C>A on transcript NM_031935.3 (MANE Select); coding-DNA position 13699, C replaced by A.
Protein change: p.Pro4567Thr; replaces proline 4567 with threonine.
Molecular consequence: missense variant.
Genome position (GRCh38, 1-based): chr1:186,137,614, C>A. VCF-style: chr1-186137614-C-A. GRCh37 (hg19) VCF-style: chr1-186106746-C-A.
Other names: c.13699C>A (NM_031935.2); short protein forms P4567T.
Identifiers: ClinVar variation 3715701 (VCV003715701.3).